The following is an entry in ClinVar:

NM_013275.6(ANKRD11):c.5552A>G (p.Tyr1851Cys)

Gene: ANKRD11 (ankyrin repeat domain 11; minus strand). Cytogenetic location: 16q24.3.
Variant type: single nucleotide variant.
Coding change: c.5552A>G on transcript NM_013275.6 (MANE Select); coding-DNA position 5552, A replaced by G.
Protein change: p.Tyr1851Cys; replaces tyrosine 1851 with cysteine.
Molecular consequence: missense variant.
Genome position (GRCh38, 1-based): chr16:89,280,990, T>C on the plus strand (A>G on the coding strand, the complement: ANKRD11 is on the minus strand). VCF-style: chr16-89280990-T-C. GRCh37 (hg19) VCF-style: chr16-89347398-T-C.
Other names: c.5552A>G, p.Tyr1851Cys (NM_001256182.2, NM_001256183.2); short protein forms Y1851C.
Identifiers: ClinVar variation 384522 (VCV000384522.7), dbSNP rs376366933, ClinGen allele CA8241805.

ClinVar aggregate classification (germline): Uncertain significance. Review status: criteria provided, multiple submitters, no conflicts (2 of 4 stars). 3 submissions from 3 submitters: Uncertain significance (3). Last evaluated 2025-05-01.

Conditions:
Inborn genetic diseases. Identifiers: MedGen C0950123, MeSH D030342.
KBG syndrome (KBGS). Also called: ANKRD11-Related KBG Syndrome. Identifiers: Orphanet 2332, MedGen C0220687, MONDO:0007846, OMIM 148050.

Allele frequency attached by ClinVar (database versions not stated): gnomAD exomes 0.00002 and 0.00003; TOPMed 0.00002; ExAC 0.00003; gnomAD 0.00004; ESP Exome Variant Server 0.00008.
gnomAD v4.1: 37 of 1,578,074 alleles (0.0023%); highest among the groups gnomAD compares: South Asian, 0.018%; no homozygotes.

Submissions (3):

Labcorp Genetics (formerly Invitae), Labcorp
Classification: Uncertain significance for KBG syndrome. Last evaluated: 2025-05-01. Review status: criteria provided, single submitter. Criteria: Invitae Variant Classification Sherloc (09022015). Collection method: clinical testing. Allele origin: germline.
Comment: This sequence change replaces tyrosine, which is neutral and polar, with cysteine, which is neutral and slightly polar, at codon 1851 of the ANKRD11 protein (p.Tyr1851Cys). This variant is present in population databases (rs376366933, gnomAD 0.02%). This variant has not been reported in the literature in individuals affected with ANKRD11-related conditions. ClinVar contains an entry for this variant (Variation ID: 384522). Invitae Evidence Modeling of protein sequence and biophysical properties (such as structural, functional, and spatial information, amino acid conservation, physicochemical variation, residue mobility, and thermodynamic stability) indicates that this missense variant is not expected to disrupt ANKRD11 protein function with a negative predictive value of 95%. In summary, the available evidence is currently insufficient to determine the role of this variant in disease. Therefore, it has been classified as a Variant of Uncertain Significance.

Ambry Genetics
Classification: Uncertain significance for Inborn genetic diseases. Last evaluated: 2017-06-20. Review status: criteria provided, single submitter. Criteria: Ambry Variant Classification Scheme 2023. Collection method: clinical testing. Allele origin: germline.
Comment: The p.Y1851C variant (also known as c.5552A>G), located in coding exon 7 of the ANKRD11 gene, results from an A to G substitution at nucleotide position 5552. The tyrosine at codon 1851 is replaced by cysteine, an amino acid with some highly dissimilar properties. This amino acid position is not well conserved in available vertebrate species. In addition, the in silico prediction for this alteration is inconclusive. Since supporting evidence is limited at this time, the clinical significance of this alteration remains unclear.

GeneDx
Classification: Uncertain significance. Last evaluated: 2016-03-09. Review status: criteria provided, single submitter. Criteria: GeneDx Variant Classification (06012015). Collection method: clinical testing. Allele origin: germline. Affected: yes.
Comment: The Y1851C variant in the ANKRD11 gene has not been reported previously as a pathogenic variant, nor as a benign variant, to our knowledge. The Y1851C variant was not observed with any significant frequency in approximately 6500 individuals of European and African American ancestry in the NHLBI Exome Sequencing Project, indicating it is not a common benign variant in these populations. The Y1851C variant is a non-conservative amino acid substitution, which is likely to impact secondary protein structure as these residues differ in polarity, charge, size and/or other properties. This substitution occurs at a position that is conserved across mammalian species. However, in silico analysis is inconsistent in its predictions as to whether or not the variant is damaging to the protein structure/function. We interpret Y1851C as a variant of uncertain significance.